The following is an entry in ClinVar:

NM_022829.6(SLC13A3):c.1144G>A (p.Gly382Ser)

Gene: SLC13A3 (solute carrier family 13 member 3; minus strand). Cytogenetic location: 20q13.12.
Variant type: single nucleotide variant.
Coding change: c.1144G>A on transcript NM_022829.6 (MANE Select); coding-DNA position 1144, G replaced by A.
Protein change: p.Gly382Ser; replaces glycine 382 with serine.
Molecular consequence: missense variant.
Genome position (GRCh38, 1-based): chr20:46,583,647, C>T on the plus strand (G>A on the coding strand, the complement: SLC13A3 is on the minus strand). VCF-style: chr20-46583647-C-T. GRCh37 (hg19) VCF-style: chr20-45212286-C-T.
Other names: c.1003G>A, p.Gly335Ser (NM_001011554.3); c.994G>A, p.Gly332Ser (NM_001193339.2); c.898G>A, p.Gly300Ser (NM_001193340.2); c.850G>A, p.Gly284Ser (NM_001193342.2); c.1144G>A (NM_022829.5); short protein forms G332S, G284S, G382S, G335S, G300S.
Identifiers: ClinVar variation 2164306 (VCV002164306.4), dbSNP rs374263776, ClinGen allele CA9891381.

ClinVar aggregate classification (germline): Uncertain significance. Review status: criteria provided, multiple submitters, no conflicts (2 of 4 stars). 2 submissions from 2 submitters: Uncertain significance (2). Last evaluated 2024-01-03.

Allele frequency attached by ClinVar (database versions not stated): ExAC 0.00001; gnomAD 0.00002; gnomAD exomes 0.00002; TOPMed 0.00004; ESP Exome Variant Server 0.00008.
gnomAD v4.1: 31 of 1,613,906 alleles (0.0019%); highest among the groups gnomAD compares: Non-Finnish European, 0.0023%; no homozygotes.

Submissions (2):

Ambry Genetics
Classification: Uncertain significance. Last evaluated: 2024-01-03. Review status: criteria provided, single submitter. Criteria: Ambry Variant Classification Scheme 2023. Collection method: clinical testing. Allele origin: germline.

Labcorp Genetics (formerly Invitae), Labcorp
Classification: Uncertain significance. Last evaluated: 2023-11-15. Review status: criteria provided, single submitter. Criteria: Invitae Variant Classification Sherloc (09022015). Collection method: clinical testing. Allele origin: germline.
Comment: This sequence change replaces glycine, which is neutral and non-polar, with serine, which is neutral and polar, at codon 382 of the SLC13A3 protein (p.Gly382Ser). This variant is present in population databases (rs374263776, gnomAD 0.005%). This variant has not been reported in the literature in individuals affected with SLC13A3-related conditions. ClinVar contains an entry for this variant (Variation ID: 2164306). Advanced modeling of protein sequence and biophysical properties (such as structural, functional, and spatial information, amino acid conservation, physicochemical variation, residue mobility, and thermodynamic stability) performed at Invitae indicates that this missense variant is not expected to disrupt SLC13A3 protein function with a negative predictive value of 80%. In summary, the available evidence is currently insufficient to determine the role of this variant in disease. Therefore, it has been classified as a Variant of Uncertain Significance.